The following is an entry in ClinVar:

ClinVar aggregate classification (germline): Pathogenic/Likely pathogenic. Review status: criteria provided, multiple submitters, no conflicts (2 of 4 stars). 3 submissions from 3 submitters: Pathogenic (1); Likely pathogenic (2). Last evaluated 2024-10-11.

Conditions:
Carnitine palmitoyltransferase II deficiency. Also called: Carnitine Palmitoyltransferase 2 Deficiency. Identifiers: Orphanet 157, MedGen C0342790, MONDO:0015515.
Encephalopathy, acute, infection-induced, susceptibility to, 4. Identifiers: Orphanet 263524, MedGen C3280160, MONDO:0013633, OMIM 614212.

Submissions (3):

Natera, Inc.
Classification: Likely pathogenic for Carnitine palmitoyltransferase II deficiency. Last evaluated: 2024-10-11. Review status: criteria provided, single submitter. Criteria: Natera Variant Classification Schema (03/2026). Collection method: clinical testing. Allele origin: germline.
Comment: The c.213_214delCT variant in CPT2 is a frameshift variant predicted to shift the reading frame beginning at codon 72 and leads to a stop codon 2 codons downstream. This variant is expected to result in nonsense mediated decay, truncation, or a dysfunctional protein product. This variant is rare in the general population with a frequency below the threshold expected for the associated phenotype(s). Given the available evidence, this variant is classified as Likely Pathogenic.

Baylor Genetics
Classification: Likely pathogenic for Encephalopathy, acute, infection-induced, susceptibility to, 4. Last evaluated: 2023-05-31. Review status: criteria provided, single submitter. Criteria: ACMG Guidelines, 2015. Collection method: clinical testing. Allele origin: unknown.

Labcorp Genetics (formerly Invitae), Labcorp
Classification: Pathogenic for Carnitine palmitoyltransferase II deficiency. Last evaluated: 2022-06-22. Review status: criteria provided, single submitter. Criteria: Invitae Variant Classification Sherloc (09022015). Collection method: clinical testing. Allele origin: germline.
Comment: For these reasons, this variant has been classified as Pathogenic. This variant has not been reported in the literature in individuals affected with CPT2-related conditions. This variant is present in population databases (rs751253358, gnomAD 0.006%). This sequence change creates a premature translational stop signal (p.Leu72Glufs*2) in the CPT2 gene. It is expected to result in an absent or disrupted protein product. Loss-of-function variants in CPT2 are known to be pathogenic (PMID: 16781677, 16996287).

Literature cited by the submitters: PubMed 16781677 (cited by Labcorp Genetics (formerly Invitae), Labcorp); PubMed 16996287 (cited by Labcorp Genetics (formerly Invitae), Labcorp).

NM_000098.3(CPT2):c.213_214del (p.Leu72fs)

Gene: CPT2 (carnitine palmitoyltransferase 2; plus strand). Cytogenetic location: 1p32.3.
Variant type: Microsatellite.
Coding change: c.213_214del on transcript NM_000098.3 (MANE Select); coding-DNA positions 213 to 214, 2 bases deleted (CT; older notation c.213_214delCT).
Protein change: p.Leu72fs; shifts the reading frame from leucine 72.
Molecular consequence: frameshift variant.
Genome position (GRCh38, 1-based): chr1:53,200,779-53,200,780, CT deleted; deleting any 2 consecutive bases within chr1:53,200,775-53,200,780 gives the same sequence; the c. name uses the placement nearest the transcript's 3' end. VCF-style (leftmost placement, unchanged base first): chr1-53200774-CCT-C. GRCh37 (hg19) VCF-style: chr1-53666446-CCT-C.
Other names: c.213_214delCT (NM_000098.2); c.213_214del, p.Leu72fs (NM_001330589.2); short protein forms L72fs.
Identifiers: ClinVar variation 1437709 (VCV001437709.8), dbSNP rs751253358, ClinGen allele CA858915.